The following is an entry in ClinVar:

NM_001927.4(DES):c.944G>T (p.Arg315Leu)

Gene: DES (desmin; plus strand). Cytogenetic location: 2q35.
Variant type: single nucleotide variant.
Coding change: c.944G>T on transcript NM_001927.4 (MANE Select); coding-DNA position 944, G replaced by T.
Protein change: p.Arg315Leu; replaces arginine 315 with leucine.
Molecular consequence: missense variant. On other transcripts: intron variant (1).
Genome position (GRCh38, 1-based): chr2:219,420,874, G>T. VCF-style: chr2-219420874-G-T. GRCh37 (hg19) VCF-style: chr2-220285596-G-T.
Other names: c.941G>T, p.Arg314Leu (NM_001382708.1); c.944G>T, p.Arg315Leu (NM_001382710.1, NM_001382711.1, NM_001382712.1); c.674G>T, p.Arg225Leu (NM_001382713.1); c.735+528G>T (NM_001382709.1); short protein forms R315L, R314L, R225L.
Identifiers: ClinVar variation 2927876 (VCV002927876.4), dbSNP rs771455648, ClinGen allele CA2125195.

ClinVar aggregate classification (germline): Uncertain significance. Review status: criteria provided, multiple submitters, no conflicts (2 of 4 stars). 2 submissions from 2 submitters: Uncertain significance (2). Last evaluated 2025-11-25.

Conditions:
Desmin-related myofibrillar myopathy (MFM1). Also called: Myofibrillar myopathy 1; Desminopathy; Desmin related myopathy (former name); Desmin storage myopathy (former name); MYOFIBRILLAR MYOPATHY WITH ARRHYTHMOGENIC RIGHT VENTRICULAR CARDIOMYOPATHY; DESMIN-RELATED MYOPATHY WITH ARRHYTHMOGENIC RIGHT VENTRICULAR CARDIOMYOPATHY. Identifiers: Orphanet 363543, Orphanet 98909, MedGen C1832370, MONDO:0011076, OMIM 601419.

Allele frequency attached by ClinVar (database versions not stated): gnomAD 0.00001.
gnomAD v4.1: 25 of 1,613,598 alleles (0.0015%); highest among the groups gnomAD compares: South Asian, 0.026%; 1 homozygote.

Submissions (2):

Women's Health and Genetics/Laboratory Corporation of America, LabCorp
Classification: Uncertain significance. Last evaluated: 2025-11-25. Review status: criteria provided, single submitter. Criteria: LabCorp Variant Classification Summary - May 2015. Collection method: clinical testing. Allele origin: germline.

Labcorp Genetics (formerly Invitae), Labcorp
Classification: Uncertain significance for Desmin-related myofibrillar myopathy. Last evaluated: 2023-12-27. Review status: criteria provided, single submitter. Criteria: Invitae Variant Classification Sherloc (09022015). Collection method: clinical testing. Allele origin: germline.
Comment: This sequence change replaces arginine, which is basic and polar, with leucine, which is neutral and non-polar, at codon 315 of the DES protein (p.Arg315Leu). This variant is present in population databases (rs771455648, gnomAD 0.03%). This variant has not been reported in the literature in individuals affected with DES-related conditions. Advanced modeling of protein sequence and biophysical properties (such as structural, functional, and spatial information, amino acid conservation, physicochemical variation, residue mobility, and thermodynamic stability) has been performed at Invitae for this missense variant, however the output from this modeling did not meet the statistical confidence thresholds required to predict the impact of this variant on DES protein function. In summary, the available evidence is currently insufficient to determine the role of this variant in disease. Therefore, it has been classified as a Variant of Uncertain Significance.